The following is an entry in ClinVar:

NM_153603.4(COG7):c.103G>A (p.Gly35Ser)

Genes: COG7 (component of oligomeric golgi complex 7; minus strand), LOC130058658 (ATAC-STARR-seq lymphoblastoid active region 10580; plus strand). Cytogenetic location: 16p12.2.
Variant type: single nucleotide variant.
Coding change: c.103G>A on transcript NM_153603.4 (MANE Select); coding-DNA position 103, G replaced by A.
Protein change: p.Gly35Ser; replaces glycine 35 with serine.
Molecular consequence: missense variant.
Genome position (GRCh38, 1-based): chr16:23,452,892, C>T on the plus strand (G>A on the coding strand, the complement: COG7 is on the minus strand). VCF-style: chr16-23452892-C-T. GRCh37 (hg19) VCF-style: chr16-23464213-C-T.
Other names: short protein forms G35S.
Identifiers: ClinVar variation 1379112 (VCV001379112.6), dbSNP rs2142101336, ClinGen allele CA395118323.

ClinVar aggregate classification (germline): Uncertain significance (1 of 4 stars; one submission).

Conditions:
COG7 congenital disorder of glycosylation (CDG2E). Also called: CDG IIe; CONGENITAL DISORDER OF GLYCOSYLATION, TYPE IIe. Identifiers: Orphanet 79333, MedGen C2931010, MONDO:0012118, OMIM 608779.

Allele frequency attached by ClinVar (database versions not stated): gnomAD exomes below 0.00001.
gnomAD v4.1: 1 of 1,614,026 alleles (0.000062%); highest among the groups gnomAD compares: Non-Finnish European, 0.000085%; no homozygotes.

Submission:

Labcorp Genetics (formerly Invitae), Labcorp
Classification: Uncertain significance for COG7 congenital disorder of glycosylation. Last evaluated: 2021-11-14. Review status: criteria provided, single submitter. Criteria: Invitae Variant Classification Sherloc (09022015). Collection method: clinical testing. Allele origin: germline.
Comment: This sequence change replaces glycine, which is neutral and non-polar, with serine, which is neutral and polar, at codon 35 of the COG7 protein (p.Gly35Ser). This variant is not present in population databases (gnomAD no frequency). This variant has not been reported in the literature in individuals affected with COG7-related conditions. Algorithms developed to predict the effect of missense changes on protein structure and function output the following: SIFT: "Tolerated"; PolyPhen-2: "Benign"; Align-GVGD: "Class C0". The serine amino acid residue is found in multiple mammalian species, which suggests that this missense change does not adversely affect protein function. In summary, the available evidence is currently insufficient to determine the role of this variant in disease. Therefore, it has been classified as a Variant of Uncertain Significance.